The following is an entry in ClinVar:

ClinVar aggregate classification (germline): Uncertain significance (1 of 4 stars; one submission).

Conditions:
Wilms tumor 1 (WT1). Also called: Wilms tumor, somatic. Identifiers: Orphanet 654, MedGen CN033288, MONDO:0008679, OMIM 194070.

gnomAD v4.1: 1 of 1,206,614 alleles (0.000083%); no homozygotes.

Submission:

Labcorp Genetics (formerly Invitae), Labcorp
Classification: Uncertain significance for Wilms tumor 1. Last evaluated: 2022-03-01. Review status: criteria provided, single submitter. Criteria: Invitae Variant Classification Sherloc (09022015). Collection method: clinical testing. Allele origin: germline.
Comment: In summary, the available evidence is currently insufficient to determine the role of this variant in disease. Therefore, it has been classified as a Variant of Uncertain Significance. Algorithms developed to predict the effect of missense changes on protein structure and function are either unavailable or do not agree on the potential impact of this missense change (SIFT: "Tolerated"; PolyPhen-2: "Possibly Damaging"; Align-GVGD: "Class C0"). ClinVar contains an entry for this variant (Variation ID: 957620). This variant has not been reported in the literature in individuals affected with GPC3-related conditions. This variant is not present in population databases (gnomAD no frequency). This sequence change replaces alanine, which is neutral and non-polar, with serine, which is neutral and polar, at codon 141 of the GPC3 protein (p.Ala141Ser).

NM_004484.4(GPC3):c.421G>T (p.Ala141Ser)

Gene: GPC3 (glypican 3; minus strand). Cytogenetic location: Xq26.2.
Variant type: single nucleotide variant.
Coding change: c.421G>T on transcript NM_004484.4 (MANE Select); coding-DNA position 421, G replaced by T.
Protein change: p.Ala141Ser; replaces alanine 141 with serine.
Molecular consequence: missense variant.
Genome position (GRCh38, 1-based): chrX:133,754,093, C>A on the plus strand (G>T on the coding strand, the complement: GPC3 is on the minus strand). VCF-style: chrX-133754093-C-A. GRCh37 (hg19) VCF-style: chrX-132888120-C-A.
Other names: c.421G>T, p.Ala141Ser (NM_001164617.2); c.373G>T, p.Ala125Ser (NM_001164618.2); c.259G>T, p.Ala87Ser (NM_001164619.2); short protein forms A125S, A87S, A141S.
Identifiers: ClinVar variation 957620 (VCV000957620.10), dbSNP rs1360346581, ClinGen allele CA414706673.